The following is an entry in ClinVar:

ClinVar aggregate classification (germline): Uncertain significance (1 of 4 stars; one submission).

Conditions:
Waardenburg syndrome type 4A (WS4A). Also called: WAARDENBURG SYNDROME WITH HIRSCHSPRUNG DISEASE, TYPE 4A. Identifiers: Orphanet 897, MedGen C1848519, MONDO:0010192, OMIM 277580.

Submission:

3billion
Classification: Uncertain significance for Waardenburg syndrome type 4A. Last evaluated: 2023-07-06. Review status: criteria provided, single submitter. Criteria: ACMG Guidelines, 2015. Collection method: clinical testing. Allele origin: germline. Affected: yes.
Comment: The variant is not observed in the gnomAD v2.1.1 dataset. Predicted Consequence/Location: Frameshift: predicted to result in a loss or disruption of normal protein function through protein truncation. The predicted truncated protein may be shortened by less than 10%. Therefore, this variant is classified as uncertain significance according to the recommendation of ACMG/AMP guideline.

NM_001122659.3(EDNRB):c.1265_1283del (p.Lys422fs)

Genes: EDNRB-AS1 (EDNRB antisense RNA 1; plus strand), EDNRB (endothelin receptor type B; minus strand). Cytogenetic location: 13q22.3.
Variant type: Deletion.
Coding change: c.1265_1283del on transcript NM_001122659.3 (MANE Select); coding-DNA positions 1265 to 1283, 19 bases deleted (AGTTCAAAGCTAATGATCA).
Protein change: p.Lys422fs; shifts the reading frame from lysine 422.
Molecular consequence: frameshift variant. On other transcripts: intron variant (1).
Genome position (GRCh38, 1-based): chr13:77,898,246-77,898,264, TGATCATTAGCTTTGAACT deleted on the plus strand (AGTTCAAAGCTAATGATCA on the coding strand, the reverse complement: EDNRB is on the minus strand); deleting any 19 consecutive bases within chr13:77,898,246-77,898,265 gives the same sequence; the c. name uses the placement nearest the transcript's 3' end. VCF-style (leftmost placement, unchanged base first): chr13-77898245-GTGATCATTAGCTTTGAACT-G. GRCh37 (hg19) VCF-style: chr13-78472380-GTGATCATTAGCTTTGAACT-G.
Other names: c.1265_1283del, p.Lys422fs (NM_000115.5); c.1534_1552del19, p.Lys512Thrfs (NM_001201397.2); c.1194+1595_1194+1613del (NM_003991.4); short protein forms K422fs, K512fs.
Identifiers: ClinVar variation 1526124 (VCV001526124.3), dbSNP rs2137599519, ClinGen allele CA2573149762.